The following is an entry in ClinVar:

ClinVar aggregate classification (germline): Likely benign (1 of 4 stars; one submission).

Allele frequency attached by ClinVar (database versions not stated): gnomAD 0.00007; TOPMed 0.00007; ESP Exome Variant Server 0.00038.
gnomAD v4.1: 142 of 1,613,854 alleles (0.0088%); highest among the groups gnomAD compares: Non-Finnish European, 0.011%; no homozygotes.

Submission:

CeGaT Center for Human Genetics Tuebingen
Classification: Likely benign. Last evaluated: 2022-06-01. Review status: criteria provided, single submitter. Criteria: CeGaT Center For Human Genetics Tuebingen Variant Classification Criteria Version 2. Collection method: clinical testing. Allele origin: germline. Affected: yes. Observed: 1 variant allele.
Comment: RIMBP2: BP4, BP7

NM_001393629.1(RIMBP2):c.36G>A (p.Gln12=)

Gene: RIMBP2 (RIMS binding protein 2; minus strand). Cytogenetic location: 12q24.33.
Variant type: single nucleotide variant.
Coding change: c.36G>A on transcript NM_001393629.1 (MANE Select); coding-DNA position 36, G replaced by A.
Protein change: p.Gln12=; no amino-acid change (glutamine 12 retained).
Molecular consequence: synonymous variant. On other transcripts: 5 prime UTR variant (1).
Genome position (GRCh38, 1-based): chr12:130,478,978, C>T on the plus strand (G>A on the coding strand, the complement: RIMBP2 is on the minus strand). VCF-style: chr12-130478978-C-T. GRCh37 (hg19) VCF-style: chr12-130963523-C-T.
Other names: c.36G>A, p.Gln12= (NM_001393620.1, NM_001393621.1, NM_001393622.1 and 20 more transcripts); c.-881G>A (NM_001351233.2).
Identifiers: ClinVar variation 2643597 (VCV002643597.24), dbSNP rs372411438, ClinGen allele CA6878712.